The following is an entry in ClinVar:

NM_001288705.3(CSF1R):c.1667A>G (p.Tyr556Cys)

Gene: CSF1R (colony stimulating factor 1 receptor; minus strand). Cytogenetic location: 5q32.
Variant type: single nucleotide variant.
Coding change: c.1667A>G on transcript NM_001288705.3 (MANE Select); coding-DNA position 1667, A replaced by G.
Protein change: p.Tyr556Cys; replaces tyrosine 556 with cysteine.
Molecular consequence: missense variant. On other transcripts: non-coding transcript variant (2).
Genome position (GRCh38, 1-based): chr5:150,061,809, T>C on the plus strand (A>G on the coding strand, the complement: CSF1R is on the minus strand). VCF-style: chr5-150061809-T-C. GRCh37 (hg19) VCF-style: chr5-149441372-T-C.
Other names: c.1667A>G, p.Tyr556Cys (NM_001349736.2, NM_001375320.1, NM_005211.4); c.1223A>G, p.Tyr408Cys (NM_001375321.1); short protein forms Y408C, Y556C.
Identifiers: ClinVar variation 3005880 (VCV003005880.3), dbSNP rs1757543698, ClinGen allele CA361714661.

ClinVar aggregate classification (germline): Uncertain significance (1 of 4 stars; one submission).

Allele frequency attached by ClinVar (database versions not stated): TOPMed below 0.00001.
gnomAD v4.1: 2 of 1,614,194 alleles (0.00012%); highest among the groups gnomAD compares: Non-Finnish European, 0.00017%; no homozygotes.

Submission:

Labcorp Genetics (formerly Invitae), Labcorp
Classification: Uncertain significance. Last evaluated: 2023-09-12. Review status: criteria provided, single submitter. Criteria: Invitae Variant Classification Sherloc (09022015). Collection method: clinical testing. Allele origin: germline.
Comment: This sequence change replaces tyrosine, which is neutral and polar, with cysteine, which is neutral and slightly polar, at codon 556 of the CSF1R protein (p.Tyr556Cys). This variant is not present in population databases (gnomAD no frequency). This variant has not been reported in the literature in individuals affected with CSF1R-related conditions. Advanced modeling of protein sequence and biophysical properties (such as structural, functional, and spatial information, amino acid conservation, physicochemical variation, residue mobility, and thermodynamic stability) performed at Invitae indicates that this missense variant is not expected to disrupt CSF1R protein function. In summary, the available evidence is currently insufficient to determine the role of this variant in disease. Therefore, it has been classified as a Variant of Uncertain Significance.